The following is an entry in ClinVar:

ClinVar aggregate classification (germline): Uncertain significance. Review status: criteria provided, multiple submitters, no conflicts (2 of 4 stars). 2 submissions from 2 submitters: Uncertain significance (2). Last evaluated 2026-04-22.

Conditions:
Hereditary cancer-predisposing syndrome. Also called: Tumor predisposition; Hereditary neoplastic syndrome; Neoplastic Syndromes, Hereditary; Hereditary Cancer Syndrome. Identifiers: Orphanet 140162, MedGen C0027672, MeSH D009386, MONDO:0015356.

Submissions (2):

Ambry Genetics
Classification: Uncertain significance for Hereditary cancer-predisposing syndrome. Last evaluated: 2026-04-22. Review status: criteria provided, single submitter. Criteria: Ambry Variant Classification Scheme 2023. Collection method: clinical testing. Allele origin: germline.
Comment: The p.A2501G variant (also known as c.7502C>G), located in coding exon 15 of the APC gene, results from a C to G substitution at nucleotide position 7502. The alanine at codon 2501 is replaced by glycine, an amino acid with similar properties. This amino acid position is not well conserved in available vertebrate species. In addition, in silico predictors for this gene do not accurately predict pathogenicity. Missense variants in APC are not a common cause of disease (Spier I et al. Genet Med. 2024 Feb;26(2):100992). Based on the available evidence, the clinical significance of this variant remains unclear.

Color Diagnostics, LLC DBA Color Health
Classification: Uncertain significance for Hereditary cancer-predisposing syndrome. Last evaluated: 2023-08-30. Review status: criteria provided, single submitter. Criteria: ACMG Guidelines, 2015. Collection method: clinical testing. Allele origin: germline.
Comment: This missense variant replaces alanine with glycine at codon 2501 of the APC protein. Computational prediction suggests that this variant may not impact protein structure and function (internally defined REVEL score threshold <= 0.5, PMID: 27666373). To our knowledge, functional studies have not been reported for this variant. This variant has not been reported in individuals affected with APC-related disorders in the literature. This variant has not been identified in the general population by the Genome Aggregation Database (gnomAD). The available evidence is insufficient to determine the role of this variant in disease conclusively. Therefore, this variant is classified as a Variant of Uncertain Significance.

NM_000038.6(APC):c.7502C>G (p.Ala2501Gly)

Gene: APC (APC regulator of Wnt signaling pathway; plus strand). Cytogenetic location: 5q22.2.
Variant type: single nucleotide variant.
Coding change: c.7502C>G on transcript NM_000038.6 (MANE Select); coding-DNA position 7502, C replaced by G.
Protein change: p.Ala2501Gly; replaces alanine 2501 with glycine.
Molecular consequence: missense variant. On other transcripts: non-coding transcript variant (2).
Genome position (GRCh38, 1-based): chr5:112,843,096, C>G. VCF-style: chr5-112843096-C-G. GRCh37 (hg19) VCF-style: chr5-112178793-C-G.
Other names: c.7502C>G (NM_000038.5); c.7502C>G, p.Ala2501Gly (NM_001127510.3, NM_001354895.2, NM_001407450.1); c.7448C>G, p.Ala2483Gly (NM_001127511.3); c.7556C>G, p.Ala2519Gly (NM_001354896.2, NM_001407447.1, NM_001407448.1 and 1 more transcripts); c.7532C>G, p.Ala2511Gly (NM_001354897.2); c.7481C>G, p.Ala2494Gly (NM_001407451.1); c.7472C>G, p.Ala2491Gly (NM_001407452.1); c.7325C>G, p.Ala2442Gly (NM_001407453.1, NM_001354901.2); and 12 more; short protein forms A2341G, A2442G, A2372G, A2375G, A2476G, A2491G, A2511G, A2117G.
Identifiers: ClinVar variation 2773638 (VCV002773638.3), dbSNP rs2149988496, ClinGen allele CA16037647.